The following is an entry in ClinVar:

NM_018941.4(CLN8):c.613A>G (p.Met205Val)

Gene: CLN8 (CLN8 transmembrane ER and ERGIC protein; plus strand). Cytogenetic location: 8p23.3.
Variant type: single nucleotide variant.
Coding change: c.613A>G on transcript NM_018941.4 (MANE Select); coding-DNA position 613, A replaced by G.
Protein change: p.Met205Val; replaces methionine 205 with valine.
Molecular consequence: missense variant.
Genome position (GRCh38, 1-based): chr8:1,780,319, A>G. VCF-style: chr8-1780319-A-G. GRCh37 (hg19) VCF-style: chr8-1728485-A-G.
Other names: short protein forms M205V.
Identifiers: ClinVar variation 1898153 (VCV001898153.5), dbSNP rs2486488871, ClinGen allele CA369953955.

ClinVar aggregate classification (germline): Uncertain significance (1 of 4 stars; one submission).

Conditions:
Neuronal ceroid lipofuscinosis. Also called: Neuronal Ceroid Lipofuscinoses. Identifiers: Orphanet 216, Orphanet 79263, MedGen C0027877, MONDO:0016295. Disease mechanism: loss of function.

Submission:

Labcorp Genetics (formerly Invitae), Labcorp
Classification: Uncertain significance for Neuronal ceroid lipofuscinosis. Last evaluated: 2024-01-17. Review status: criteria provided, single submitter. Criteria: Invitae Variant Classification Sherloc (09022015). Collection method: clinical testing. Allele origin: germline.
Comment: This sequence change replaces methionine, which is neutral and non-polar, with valine, which is neutral and non-polar, at codon 205 of the CLN8 protein (p.Met205Val). This variant is not present in population databases (gnomAD no frequency). This variant has not been reported in the literature in individuals affected with CLN8-related conditions. ClinVar contains an entry for this variant (Variation ID: 1898153). Advanced modeling of protein sequence and biophysical properties (such as structural, functional, and spatial information, amino acid conservation, physicochemical variation, residue mobility, and thermodynamic stability) performed at Invitae indicates that this missense variant is not expected to disrupt CLN8 protein function with a negative predictive value of 80%. In summary, the available evidence is currently insufficient to determine the role of this variant in disease. Therefore, it has been classified as a Variant of Uncertain Significance.